The following is an entry in ClinVar:

ClinVar aggregate classification (germline): Likely benign (0 of 4 stars; one submission).

Conditions:
ASTN2-related disorder. Also called: ASTN2-related condition.

Submission:

PreventionGenetics, part of Exact Sciences
Classification: Likely benign for ASTN2-related condition. Last evaluated: 2020-11-06. Review status: no assertion criteria provided. Collection method: clinical testing. Allele origin: germline.
Comment: This variant is classified as likely benign based on ACMG/AMP sequence variant interpretation guidelines (Richards et al. 2015 PMID: 25741868, with internal and published modifications).

NM_001365068.1(ASTN2):c.294CGC[4] (p.Ala103del)

Gene: ASTN2 (astrotactin 2; minus strand). Cytogenetic location: 9q33.1.
Variant type: Microsatellite.
Coding change: c.294CGC[4] on transcript NM_001365068.1 (MANE Select); four copies in a row of the 3-base unit CGC starting at c.294; the reference has five copies in a row; one copy, 3 bases deleted.
Protein change: p.Ala103del; deletes alanine 103.
Genome position (GRCh38, 1-based): chr9:117,414,631-117,414,633, GCG deleted on the plus strand (CGC on the coding strand, the reverse complement: ASTN2 is on the minus strand); deleting any 3 consecutive bases within chr9:117,414,631-117,414,647 gives the same sequence; the position shown is the placement nearest the transcript's 3' end. VCF-style (leftmost placement, unchanged base first): chr9-117414630-CGCG-C. GRCh37 (hg19) VCF-style: chr9-120176908-CGCG-C.
Other names: c.294CGC[4], p.Ala103del (NM_001365069.1, NM_014010.5); short protein forms A103del.
Identifiers: ClinVar variation 3041549 (VCV003041549.2), dbSNP rs562054248, ClinGen allele CA5212101.